The following is an entry in ClinVar:

ClinVar aggregate classification (germline): Pathogenic (1 of 4 stars; one submission).

Conditions:
Familial thoracic aortic aneurysm and aortic dissection (TAAD). Also called: Thoracic aortic aneurysms and dissections. Identifiers: Orphanet 91387, MedGen C4707243, MONDO:0019625.
Marfan syndrome (MFS). Also called: Marfan syndrome type 1; Marfan syndrome, classic; Marfan's syndrome; FBN1-Related Marfan Syndrome; MARFAN SYNDROME, TYPE I. Identifiers: Orphanet 284963, Orphanet 558, MedGen C0024796, MONDO:0007947, OMIM 154700.

Submission:

Labcorp Genetics (formerly Invitae), Labcorp
Classification: Pathogenic for Marfan syndrome; Familial thoracic aortic aneurysm and aortic dissection. Last evaluated: 2022-06-13. Review status: criteria provided, single submitter. Criteria: Invitae Variant Classification Sherloc (09022015). Collection method: clinical testing. Allele origin: germline.
Comment: This missense change has been observed in individual(s) with clinical features of Marfan syndrome (Invitae). This variant is not present in population databases (gnomAD no frequency). This sequence change replaces cysteine, which is neutral and slightly polar, with tryptophan, which is neutral and slightly polar, at codon 1348 of the FBN1 protein (p.Cys1348Trp). ClinVar contains an entry for this variant (Variation ID: 527200). For these reasons, this variant has been classified as Pathogenic. This variant disrupts the p.Cys1348 amino acid residue in FBN1. Other variant(s) that disrupt this residue have been observed in individuals with FBN1-related conditions (PMID: 25907466, 27112580; Invitae), which suggests that this may be a clinically significant amino acid residue. This variant affects a cysteine residue in the EGF-like, TGFBP or hybrid motif domains of FBN1. Cysteine residues are believed to be involved in intramolecular disulfide bridges and have been shown to be important for FBN1 protein structure (PMID: 16905551, 19349279). In addition, missense substitutions affecting cysteine residues within these domains are significantly overrepresented among patients with Marfan syndrome (PMID: 16571647, 17701892). Advanced modeling of protein sequence and biophysical properties (such as structural, functional, and spatial information, amino acid conservation, physicochemical variation, residue mobility, and thermodynamic stability) performed at Invitae indicates that this missense variant is expected to disrupt FBN1 protein function.

Literature cited by the submitters: PubMed 25907466; PubMed 27112580; PubMed 16905551; PubMed 19349279; PubMed 16571647; PubMed 17701892.

NM_000138.5(FBN1):c.4044T>G (p.Cys1348Trp)

Gene: FBN1 (fibrillin 1; minus strand). Cytogenetic location: 15q21.1.
Variant type: single nucleotide variant.
Coding change: c.4044T>G on transcript NM_000138.5 (MANE Select); coding-DNA position 4044, T replaced by G.
Protein change: p.Cys1348Trp; replaces cysteine 1348 with tryptophan.
Molecular consequence: missense variant.
Genome position (GRCh38, 1-based): chr15:48,474,571, A>C on the plus strand (T>G on the coding strand, the complement: FBN1 is on the minus strand). VCF-style: chr15-48474571-A-C. GRCh37 (hg19) VCF-style: chr15-48766768-A-C.
Other names: short protein forms C1348W.
Identifiers: ClinVar variation 527200 (VCV000527200.7), dbSNP rs1555397719, ClinGen allele CA392320490.